The following is an entry in ClinVar:

NM_005465.7(AKT3):c.382A>G (p.Ile128Val)

Gene: AKT3 (AKT serine/threonine kinase 3; minus strand). Cytogenetic location: 1q44.
Variant type: single nucleotide variant.
Coding change: c.382A>G on transcript NM_005465.7 (MANE Select); coding-DNA position 382, A replaced by G.
Protein change: p.Ile128Val; replaces isoleucine 128 with valine.
Molecular consequence: missense variant.
Genome position (GRCh38, 1-based): chr1:243,645,940, T>C on the plus strand (A>G on the coding strand, the complement: AKT3 is on the minus strand). VCF-style: chr1-243645940-T-C. GRCh37 (hg19) VCF-style: chr1-243809242-T-C.
Other names: c.382A>G, p.Ile128Val (NM_001206729.2, NM_001370074.1, NM_181690.2); short protein forms I128V.
Identifiers: ClinVar variation 3623922 (VCV003623922.2).
Genomic context (GRCh38, chr1:243,645,940, plus strand): 5'-TATTATTTTCTACCTTTCTTTTATGATGGGTTGTAGAGGCATCCATCTCTTCCTCTCCTA[T>C]ATTATCAATTTGTGAAGTTGGACTACAATTCATTCTCTCCTCTTCTTGCCTCTGCAGTCT-3'
Protein context (NP_005456.1, residues 118-138): NCSPTSQIDN[Ile128Val]GEEEMDASTT

ClinVar aggregate classification (germline): Uncertain significance (1 of 4 stars; one submission).

Conditions:
Megalencephaly-polymicrogyria-polydactyly-hydrocephalus syndrome 2 (MPPH2). Also called: MEGALENCEPHALY-POLYMICROGYRIA-POLYDACTYLY-HYDROCEPHALUS SYNDROME 2, SOMATIC. Identifiers: Orphanet 83473, MedGen C4014738, MONDO:0014407, OMIM 615937.

gnomAD v4.1: 3 of 1,612,772 alleles (0.00019%); highest among the groups gnomAD compares: Admixed American, 0.0033%; no homozygotes.

Submission:

Labcorp Genetics (formerly Invitae), Labcorp
Classification: Uncertain significance for Megalencephaly-polymicrogyria-polydactyly-hydrocephalus syndrome 2. Last evaluated: 2024-09-19. Review status: criteria provided, single submitter. Criteria: Invitae Variant Classification Sherloc (09022015). Collection method: clinical testing. Allele origin: germline.
Comment: This sequence change replaces isoleucine, which is neutral and non-polar, with valine, which is neutral and non-polar, at codon 128 of the AKT3 protein (p.Ile128Val). This variant is present in population databases (no rsID available, gnomAD 0.003%). This variant has not been reported in the literature in individuals affected with AKT3-related conditions. Invitae Evidence Modeling of protein sequence and biophysical properties (such as structural, functional, and spatial information, amino acid conservation, physicochemical variation, residue mobility, and thermodynamic stability) indicates that this missense variant is expected to disrupt AKT3 protein function with a positive predictive value of 95%. In summary, the available evidence is currently insufficient to determine the role of this variant in disease. Therefore, it has been classified as a Variant of Uncertain Significance.